The following is an entry in ClinVar:

ClinVar aggregate classification (germline): Conflicting classifications of pathogenicity. Review status: criteria provided, conflicting classifications (1 of 4 stars). 3 submissions from 3 submitters: Uncertain significance (2); Likely benign (1). Last evaluated 2025-09-02.

Conditions:
Inborn genetic diseases. Identifiers: MedGen C0950123, MeSH D030342.

Allele frequency attached by ClinVar (database versions not stated): gnomAD exomes 0.00001; ExAC 0.00001; gnomAD 0.00001.

Submissions (3):

Labcorp Genetics (formerly Invitae), Labcorp
Classification: Uncertain significance. Last evaluated: 2025-09-02. Review status: criteria provided, single submitter. Criteria: Invitae Variant Classification Sherloc (09022015). Collection method: clinical testing. Allele origin: germline.
Comment: This sequence change replaces methionine, which is neutral and non-polar, with threonine, which is neutral and polar, at codon 115 of the SAMD9L protein (p.Met115Thr). This variant is present in population databases (rs778403432, gnomAD 0.003%). This variant has not been reported in the literature in individuals affected with SAMD9L-related conditions. ClinVar contains an entry for this variant (Variation ID: 2575570). An algorithm developed to predict the effect of missense changes on protein structure and function outputs the following: PolyPhen-2: "Benign". The threonine amino acid residue is found in multiple mammalian species, which suggests that this missense change does not adversely affect protein function. In summary, the available evidence is currently insufficient to determine the role of this variant in disease. Therefore, it has been classified as a Variant of Uncertain Significance.

Ambry Genetics
Classification: Likely benign for Inborn genetic diseases. Last evaluated: 2024-12-17. Review status: criteria provided, single submitter. Criteria: Ambry Variant Classification Scheme 2023. Collection method: clinical testing. Allele origin: germline.

GeneDx
Classification: Uncertain significance. Last evaluated: 2023-02-08. Review status: criteria provided, single submitter. Criteria: GeneDx Variant Classification Process June 2021. Collection method: clinical testing. Allele origin: germline. Affected: yes.
Comment: Not observed at significant frequency in large population cohorts (gnomAD); In silico analysis supports that this missense variant does not alter protein structure/function; Has not been previously published as pathogenic or benign to our knowledge

NM_152703.5(SAMD9L):c.344T>C (p.Met115Thr)

Gene: SAMD9L (sterile alpha motif domain containing 9 like; minus strand). Cytogenetic location: 7q21.2.
Variant type: single nucleotide variant.
Coding change: c.344T>C on transcript NM_152703.5 (MANE Select); coding-DNA position 344, T replaced by C.
Protein change: p.Met115Thr; replaces methionine 115 with threonine.
Molecular consequence: missense variant.
Genome position (GRCh38, 1-based): chr7:93,135,628, A>G on the plus strand (T>C on the coding strand, the complement: SAMD9L is on the minus strand). VCF-style: chr7-93135628-A-G. GRCh37 (hg19) VCF-style: chr7-92764941-A-G.
Other names: c.344T>C, p.Met115Thr (NM_001303496.3, NM_001303497.3, NM_001303498.3 and 5 more transcripts); c.344T>C (NM_152703.2); short protein forms M115T.
Identifiers: ClinVar variation 2575570 (VCV002575570.4), dbSNP rs778403432, ClinGen allele CA4343889.